The following is an entry in ClinVar:

ClinVar aggregate classification (germline): Uncertain significance (1 of 4 stars; one submission).

Conditions:
Hereditary cancer-predisposing syndrome. Also called: Hereditary neoplastic syndrome; Neoplastic Syndromes, Hereditary; Tumor predisposition; Hereditary Cancer Syndrome. Identifiers: Orphanet 140162, MedGen C0027672, MeSH D009386, MONDO:0015356.

Submission:

Ambry Genetics
Classification: Uncertain significance for Hereditary cancer-predisposing syndrome. Last evaluated: 2025-08-27. Review status: criteria provided, single submitter. Criteria: Ambry Variant Classification Scheme 2023. Collection method: clinical testing. Allele origin: germline.
Comment: The p.V81G variant (also known as c.242T>G), located in coding exon 3 of the MUTYH gene, results from a T to G substitution at nucleotide position 242. The valine at codon 81 is replaced by glycine, an amino acid with dissimilar properties. This amino acid position is conserved. In addition, this alteration is predicted to be tolerated by in silico analysis. Based on the available evidence, the clinical significance of this variant remains unclear.

NM_001048174.2(MUTYH):c.158T>G (p.Val53Gly)

Gene: MUTYH (mutY DNA glycosylase; minus strand). Cytogenetic location: 1p34.1.
Variant type: single nucleotide variant.
Coding change: c.158T>G on transcript NM_001048174.2 (MANE Select); coding-DNA position 158, T replaced by G.
Protein change: p.Val53Gly; replaces valine 53 with glycine.
Molecular consequence: missense variant. On other transcripts: 5 prime UTR variant (1), non-coding transcript variant (5), intron variant (5).
Genome position (GRCh38, 1-based): chr1:45,333,519, A>C on the plus strand (T>G on the coding strand, the complement: MUTYH is on the minus strand). VCF-style: chr1-45333519-A-C. GRCh37 (hg19) VCF-style: chr1-45799191-A-C.
Other names: c.242T>G, p.Val81Gly (NM_001128425.2); c.203T>G, p.Val68Gly (NM_001293190.2); c.191T>G, p.Val64Gly (NM_001293191.2, NM_001407077.1); c.158T>G, p.Val53Gly (NM_001293195.2, NM_001048171.2, NM_001048173.2 and 6 more transcripts); c.-114T>G (NM_001350650.2); c.161T>G, p.Val54Gly (NM_001048172.2, NM_001407071.1, NM_001407078.1 and 2 more transcripts); c.233T>G, p.Val78Gly (NM_001407069.1, NM_012222.3); c.200T>G, p.Val67Gly (NM_001407073.1, NM_001407083.1, NM_001407085.1); and 4 more; short protein forms V67G, V81G, V25G, V54G, V64G, V53G, V78G, V60G.
Identifiers: ClinVar variation 4113543 (VCV004113543.1).
Genomic context (GRCh38, chr1:45,333,519, plus strand): 5'-AGCAGGCTCCCTCGGAAGGCTGTGACTTCAGCTACGTCTCTGAATAGATGGTATGAGGAG[A>C]CAGAGGCCTGCAATACCACCTCTTCCGGCTGCCTGGCCAGGCCTGCTGGGGCCCCAGGAC-3'
Protein context (NP_001041639.1, residues 43-63): QPEEVVLQAS[Val53Gly]SSYHLFRDVA